The following is an entry in ClinVar:

NM_181078.3(IL21R):c.572G>A (p.Arg191His)

Gene: IL21R (interleukin 21 receptor; plus strand). Cytogenetic location: 16p12.1.
Variant type: single nucleotide variant.
Coding change: c.572G>A on transcript NM_181078.3 (MANE Select); coding-DNA position 572, G replaced by A.
Protein change: p.Arg191His; replaces arginine 191 with histidine.
Molecular consequence: missense variant.
Genome position (GRCh38, 1-based): chr16:27,444,606, G>A. VCF-style: chr16-27444606-G-A. GRCh37 (hg19) VCF-style: chr16-27455927-G-A.
Other names: c.572G>A, p.Arg191His (NM_021798.4); c.638G>A, p.Arg213His (NM_181079.5); c.638G>A (NM_181079.4); short protein forms R191H, R213H.
Identifiers: ClinVar variation 857678 (VCV000857678.9), dbSNP rs573484984, ClinGen allele CA7975012.

ClinVar aggregate classification (germline): Conflicting classifications of pathogenicity. Review status: criteria provided, conflicting classifications (1 of 4 stars). 3 submissions from 3 submitters: Uncertain significance (2); Likely benign (1). Last evaluated 2025-08-28.

Conditions:
Inborn genetic diseases. Identifiers: MedGen C0950123, MeSH D030342.
Cryptosporidiosis-chronic cholangitis-liver disease syndrome. Also called: Immunodeficiency type 56; IL21R immunodeficiency. Identifiers: Orphanet 357329, MedGen C3554687, MONDO:0014082, OMIM 615207.

Allele frequency attached by ClinVar (database versions not stated): gnomAD 0.00005; ExAC 0.00006; gnomAD exomes 0.00006 and 0.00003; TOPMed 0.00004.

Submissions (3):

Ambry Genetics
Classification: Likely benign for Inborn genetic diseases. Last evaluated: 2025-08-28. Review status: criteria provided, single submitter. Criteria: Ambry Variant Classification Scheme 2023. Collection method: clinical testing. Allele origin: germline.

Labcorp Genetics (formerly Invitae), Labcorp
Classification: Uncertain significance for Cryptosporidiosis-chronic cholangitis-liver disease syndrome. Last evaluated: 2022-02-03. Review status: criteria provided, single submitter. Criteria: Invitae Variant Classification Sherloc (09022015). Collection method: clinical testing. Allele origin: germline.
Comment: This sequence change replaces arginine, which is basic and polar, with histidine, which is basic and polar, at codon 191 of the IL21R protein (p.Arg191His). The frequency data for this variant in the population databases is considered unreliable, as metrics indicate poor data quality at this position in the gnomAD database. This variant has not been reported in the literature in individuals affected with IL21R-related conditions. ClinVar contains an entry for this variant (Variation ID: 857678). Algorithms developed to predict the effect of missense changes on protein structure and function output the following: SIFT: "Tolerated"; PolyPhen-2: "Benign"; Align-GVGD: "Class C0". The histidine amino acid residue is found in multiple mammalian species, which suggests that this missense change does not adversely affect protein function. In summary, the available evidence is currently insufficient to determine the role of this variant in disease. Therefore, it has been classified as a Variant of Uncertain Significance.

GeneDx
Classification: Uncertain significance. Last evaluated: 2020-03-06. Review status: criteria provided, single submitter. Criteria: GeneDx Variant Classification Process June 2021. Collection method: clinical testing. Allele origin: germline. Affected: yes.
Comment: In silico analysis supports that this missense variant does not alter protein structure/function; Has not been previously published as pathogenic or benign to our knowledge